The following is an entry in ClinVar:

NM_003265.3(TLR3):c.2059C>G (p.Pro687Ala)

Gene: TLR3 (toll like receptor 3; plus strand). Cytogenetic location: 4q35.1.
Variant type: single nucleotide variant.
Coding change: c.2059C>G on transcript NM_003265.3 (MANE Select); coding-DNA position 2059, C replaced by G.
Protein change: p.Pro687Ala; replaces proline 687 with alanine.
Molecular consequence: missense variant.
Genome position (GRCh38, 1-based): chr4:186,083,745, C>G. VCF-style: chr4-186083745-C-G. GRCh37 (hg19) VCF-style: chr4-187004899-C-G.
Other names: short protein forms P687A.
Identifiers: ClinVar variation 1061570 (VCV001061570.7), dbSNP rs750639735, ClinGen allele CA3161511.
Genomic context (GRCh38, chr4:186,083,745, plus strand): 5'-AACATCCCTGAGCTGTCAAGCCACTACCTTTGCAACACTCCACCTCACTATCATGGGTTC[C>G]CAGTGAGACTTTTTGATACATCATCTTGCAAAGACAGTGCCCCCTTTGAACTCTTTTTCA-3'
Protein context (NP_003256.1, residues 677-697): CNTPPHYHGF[Pro687Ala]VRLFDTSSCK

ClinVar aggregate classification (germline): Uncertain significance (1 of 4 stars; one submission).

Conditions:
Encephalopathy, acute, infection-induced (herpes-specific), susceptibility to, 1. Also called: Herpes simplex encephalitis, susceptibility to, 1. Identifiers: Orphanet 1930, MedGen C2750180, MONDO:0024563, OMIM 610551.

Allele frequency attached by ClinVar (database versions not stated): gnomAD exomes 0.00001 and 0.00003; gnomAD 0.00003; ExAC 0.00004; TOPMed 0.00002.
gnomAD v4.1: 11 of 1,613,460 alleles (0.00068%); highest among the groups gnomAD compares: Admixed American, 0.017%; no homozygotes.

Submission:

Labcorp Genetics (formerly Invitae), Labcorp
Classification: Uncertain significance for Encephalopathy, acute, infection-induced (herpes-specific), susceptibility to, 1. Last evaluated: 2025-06-15. Review status: criteria provided, single submitter. Criteria: Invitae Variant Classification Sherloc (09022015). Collection method: clinical testing. Allele origin: germline.
Comment: This sequence change replaces proline, which is neutral and non-polar, with alanine, which is neutral and non-polar, at codon 687 of the TLR3 protein (p.Pro687Ala). This variant is present in population databases (rs750639735, gnomAD 0.02%). This variant has not been reported in the literature in individuals affected with TLR3-related conditions. ClinVar contains an entry for this variant (Variation ID: 1061570). An algorithm developed to predict the effect of missense changes on protein structure and function (PolyPhen-2) suggests that this variant is likely to be tolerated. In summary, the available evidence is currently insufficient to determine the role of this variant in disease. Therefore, it has been classified as a Variant of Uncertain Significance.